The following is an entry in ClinVar:

ClinVar aggregate classification (germline): Uncertain significance (1 of 4 stars; one submission).

Conditions:
Common craniosynostosis syndromes.

Submission:

Genetics Laboratory, Great Ormond Street Hospital NHS Foundation Trust, North Thames Genomic Laboratory Hub
Classification: Uncertain significance for Common craniosynostosis syndromes. Last evaluated: 2026-06-12. Review status: criteria provided, single submitter. Criteria: ACGS Best Practice Guidelines for Variant Classification in Rare Disease 2024 v1.2. Collection method: clinical testing. Allele origin: germline. Affected: yes.
Comment: PS4_supporting, PM2_moderate, PP3_supporting, PM5_supporting

NM_000474.4(TWIST1):c.467T>A (p.Ile156Asn)

Genes: TWIST1 (twist family bHLH transcription factor 1; minus strand), LOC129998021 (ATAC-STARR-seq lymphoblastoid active region 25682; plus strand). Cytogenetic location: 7p21.1.
Variant type: single nucleotide variant.
Coding change: c.467T>A on transcript NM_000474.4 (MANE Select); coding-DNA position 467, T replaced by A.
Protein change: p.Ile156Asn; replaces isoleucine 156 with asparagine.
Molecular consequence: missense variant. On other transcripts: non-coding transcript variant (1).
Genome position (GRCh38, 1-based): chr7:19,116,855, A>T on the plus strand (T>A on the coding strand, the complement: TWIST1 is on the minus strand). VCF-style: chr7-19116855-A-T. GRCh37 (hg19) VCF-style: chr7-19156478-A-T.
Other names: short protein forms I156N.
Identifiers: ClinVar variation 4857011 (VCV004857011.2).